The following is an entry in ClinVar:

ClinVar aggregate classification (germline): Pathogenic. Review status: criteria provided, multiple submitters, no conflicts (2 of 4 stars). 3 submissions from 3 submitters: Pathogenic (2). 1 of the submissions does not count toward it. Last evaluated 2026-09-07.

Conditions:
Pigmentary skin disorders.
Tuberous sclerosis syndrome (TSC). Also called: Tuberous Sclerosis Complex; Tuberous sclerosis. Identifiers: Orphanet 805, MedGen C0041341, MONDO:0001734.
Tuberous sclerosis 2 (TSC2). Identifiers: Orphanet 805, MedGen C1860707, MONDO:0013199, OMIM 613254.

Submissions (3):

Genetics Laboratory, Great Ormond Street Hospital NHS Foundation Trust, North Thames Genomic Laboratory Hub
Classification: Pathogenic for Pigmentary skin disorders. Last evaluated: 2026-09-07. Review status: criteria provided, single submitter. Criteria: ACGS Best Practice Guidelines for Variant Classification in Rare Disease 2024 v1.2. Collection method: clinical testing. Allele origin: germline. Affected: yes.
Comment: PS4_moderate, PM2_moderate, PVS1_very-strong

Labcorp Genetics (formerly Invitae), Labcorp
Classification: Pathogenic for Tuberous sclerosis 2. Last evaluated: 2022-03-05. Review status: criteria provided, single submitter. Criteria: Invitae Variant Classification Sherloc (09022015). Collection method: clinical testing. Allele origin: germline.
Comment: For these reasons, this variant has been classified as Pathogenic. Algorithms developed to predict the effect of sequence changes on RNA splicing suggest that this variant may disrupt the consensus splice site. ClinVar contains an entry for this variant (Variation ID: 49965). Disruption of this splice site has been observed in individuals with tuberous sclerosis complex (PMID: 10533067, 26540169). This variant is not present in population databases (gnomAD no frequency). This sequence change affects an acceptor splice site in intron 37 of the TSC2 gene. It is expected to disrupt RNA splicing. Variants that disrupt the donor or acceptor splice site typically lead to a loss of protein function (PMID: 16199547), and loss-of-function variants in TSC2 are known to be pathogenic (PMID: 10205261, 17304050).

Tuberous sclerosis database (TSC2)
No classification provided. Condition: TSC. Review status: no classification provided. Criteria: Tuberous Sclerosis Database Assertion Criteria 2015. Collection method: curation. Allele origin: germline. Affected: yes. Not counted in ClinVar's aggregate classification.

Literature cited by the submitters: PubMed 10533067 (cited by Labcorp Genetics (formerly Invitae), Labcorp); PubMed 26540169 (cited by Labcorp Genetics (formerly Invitae), Labcorp); PubMed 16199547 (cited by Labcorp Genetics (formerly Invitae), Labcorp); PubMed 10205261 (cited by Labcorp Genetics (formerly Invitae), Labcorp); PubMed 17304050 (cited by Labcorp Genetics (formerly Invitae), Labcorp).

NM_000548.5(TSC2):c.4850-1G>A

Gene: TSC2 (TSC complex subunit 2; plus strand). Cytogenetic location: 16p13.3.
Variant type: single nucleotide variant.
Coding change: c.4850-1G>A on transcript NM_000548.5 (MANE Select); the canonical splice acceptor site of the intron before coding-DNA position 4850, G replaced by A.
Molecular consequence: splice acceptor variant.
Genome position (GRCh38, 1-based): chr16:2,086,731, G>A. VCF-style: chr16-2086731-G-A. GRCh37 (hg19) VCF-style: chr16-2136732-G-A.
Other names: c.3308-1G>A (NM_001406693.1, NM_001406692.1, NM_001406694.1); c.4742-1G>A (NM_001406667.1); c.4739-1G>A (NM_001406668.1); c.4250-1G>A (NM_001406680.1); c.4181-1G>A (NM_001406683.1, NM_001406682.1); c.4049-1G>A (NM_001406687.1, NM_001406688.1); c.3437-1G>A (NM_001406689.1); c.3377-1G>A (NM_001406690.1); and 26 more.
Identifiers: ClinVar variation 49965 (VCV000049965.8), dbSNP rs45517377, ClinGen allele CA021116.